The following is an entry in ClinVar:

NM_006915.3(RP2):c.1A>T (p.Met1Leu)

Genes: RP2 (RP2 activator of ARL3 GTPase; plus strand), LOC130068202 (ATAC-STARR-seq lymphoblastoid active region 29577; plus strand). Cytogenetic location: Xp11.3.
Variant type: single nucleotide variant.
Coding change: c.1A>T on transcript NM_006915.3 (MANE Select); coding-DNA position 1, A replaced by T.
Protein change: p.Met1Leu; changes the start codon (methionine 1).
Molecular consequence: missense variant, initiator codon variant.
Genome position (GRCh38, 1-based): chrX:46,837,101, A>T. VCF-style: chrX-46837101-A-T. GRCh37 (hg19) VCF-style: chrX-46696536-A-T.
Other names: short protein forms M1L.
Identifiers: ClinVar variation 2097576 (VCV002097576.6), dbSNP rs2147074594, ClinGen allele CA413038133.

ClinVar aggregate classification (germline): Pathogenic/Likely pathogenic. Review status: criteria provided, multiple submitters, no conflicts (2 of 4 stars). 2 submissions from 2 submitters: Pathogenic (1); Likely pathogenic (1). Last evaluated 2024-02-08.

Conditions:
Retinitis pigmentosa 2 (RP2). Also called: Retinitis pigmentosa 2, X linked. Identifiers: Orphanet 791, MedGen C2681923, MONDO:0010723, OMIM 312600.

Submissions (2):

Labcorp Genetics (formerly Invitae), Labcorp
Classification: Pathogenic. Last evaluated: 2024-02-08. Review status: criteria provided, single submitter. Criteria: Invitae Variant Classification Sherloc (09022015). Collection method: clinical testing. Allele origin: germline.
Comment: This sequence change affects the initiator methionine of the RP2 mRNA. The next in-frame methionine is located at codon 41. This variant is not present in population databases (gnomAD no frequency). Disruption of the initiator codon has been observed in individuals with retinitis pigmentosa (PMID: 26355662, 29847639). ClinVar contains an entry for this variant (Variation ID: 2097576). This variant disrupts a region of the RP2 protein in which other variant(s) (p.Ser6del) have been determined to be pathogenic (PMID: 9697692, 10942419, 17724181, 28209709; Invitae). This suggests that this is a clinically significant region of the protein, and that variants that disrupt it are likely to be disease-causing. For these reasons, this variant has been classified as Pathogenic.

3billion
Classification: Likely pathogenic for Retinitis pigmentosa 2. Last evaluated: 2024-01-04. Review status: criteria provided, single submitter. Criteria: ACMG Guidelines, 2015. Collection method: clinical testing. Allele origin: germline. Affected: yes.
Comment: The variant is not observed in the gnomAD v2.1.1 dataset. Predicted Consequence/Location: Start-lost: reinitiation of translation may occur at a downstream alternate start codon but still result in a loss or disruption of normal protein function as there have been pathogenic variants reported upstream of the alternate start codon. The variant has been reported to be associated with RP2 related disorder (ClinVar ID: VCV002097576). Therefore, this variant is classified as Likely pathogenic according to the recommendation of ACMG/AMP guideline.

Literature cited by the submitters: PubMed 26355662 (cited by Labcorp Genetics (formerly Invitae), Labcorp); PubMed 29847639 (cited by Labcorp Genetics (formerly Invitae), Labcorp and 3billion); PubMed 9697692 (cited by Labcorp Genetics (formerly Invitae), Labcorp); PubMed 10942419 (cited by Labcorp Genetics (formerly Invitae), Labcorp); PubMed 17724181 (cited by Labcorp Genetics (formerly Invitae), Labcorp); PubMed 28209709 (cited by Labcorp Genetics (formerly Invitae), Labcorp).